The following is an entry in ClinVar:

NM_000088.4(COL1A1):c.3277dup (p.Arg1093fs)

Gene: COL1A1 (collagen type I alpha 1 chain; minus strand). Cytogenetic location: 17q21.33.
Variant type: Duplication.
Coding change: c.3277dup on transcript NM_000088.4 (MANE Select); coding-DNA position 3277, one base duplicated (C; older notation c.3277dupC).
Protein change: p.Arg1093fs; shifts the reading frame from arginine 1093.
Molecular consequence: frameshift variant.
Genome position (GRCh38, 1-based): chr17:50,187,968, G duplicated on the plus strand (C on the coding strand, the reverse complement: COL1A1 is on the minus strand); the first of 5 consecutive G bases (chr17:50,187,968-50,187,972); duplicating any one gives the same sequence. VCF-style (leftmost placement, unchanged base first): chr17-50187967-C-CG. GRCh37 (hg19) VCF-style: chr17-48265328-C-CG.
Other names: short protein forms R1093fs.
Identifiers: ClinVar variation 2884073 (VCV002884073.3), dbSNP rs2509173100, ClinGen allele CA2695226458.

ClinVar aggregate classification (germline): Pathogenic (1 of 4 stars; one submission).

Conditions:
Osteogenesis imperfecta type I (OI1). Also called: Lobstein disease; Classic Non-deforming Osteogenesis Imperfecta with Blue Sclerae; OI, TYPE I; OSTEOGENESIS IMPERFECTA TARDA; OSTEOGENESIS IMPERFECTA WITH BLUE SCLERAE; Osteogenesis imperfecta type 1. Identifiers: Orphanet 216796, Orphanet 666, MedGen C0023931, MONDO:0008146, OMIM 166200. Disease mechanism: loss of function.

Submission:

Labcorp Genetics (formerly Invitae), Labcorp
Classification: Pathogenic for Osteogenesis imperfecta type I. Last evaluated: 2023-04-10. Review status: criteria provided, single submitter. Criteria: Invitae Variant Classification Sherloc (09022015). Collection method: clinical testing. Allele origin: germline.
Comment: For these reasons, this variant has been classified as Pathogenic. This premature translational stop signal has been observed in individual(s) with osteogenesis imperfecta, type I (PMID: 30715774). This variant is not present in population databases (gnomAD no frequency). This sequence change creates a premature translational stop signal (p.Arg1093Profs*3) in the COL1A1 gene. It is expected to result in an absent or disrupted protein product. Loss-of-function variants in COL1A1 are known to be pathogenic (PMID: 7942841, 9295084, 9443882).

Literature cited by the submitters: PubMed 30715774; PubMed 7942841; PubMed 9295084; PubMed 9443882.